The following is an entry in ClinVar:

NM_000287.4(PEX6):c.914_923del (p.Asp305fs)

Gene: PEX6 (peroxisomal biogenesis factor 6; minus strand). Cytogenetic location: 6p21.1.
Variant type: Deletion.
Coding change: c.914_923del on transcript NM_000287.4 (MANE Select); coding-DNA positions 914 to 923, 10 bases deleted (ACAAAGGAAG; older notation c.914_923delACAAAGGAAG).
Protein change: p.Asp305fs; shifts the reading frame from aspartic acid 305.
Molecular consequence: frameshift variant. On other transcripts: non-coding transcript variant (1).
Genome position (GRCh38, 1-based): chr6:42,974,998-42,975,007, CTTCCTTTGT deleted on the plus strand (ACAAAGGAAG on the coding strand, the reverse complement: PEX6 is on the minus strand); deleting any 10 consecutive bases within chr6:42,974,998-42,975,011 gives the same sequence; the c. name uses the placement nearest the transcript's 3' end. VCF-style (leftmost placement, unchanged base first): chr6-42974997-GCTTCCTTTGT-G. GRCh37 (hg19) VCF-style: chr6-42942735-GCTTCCTTTGT-G.
Other names: c.650_659del, p.Asp217fs (NM_001316313.2); c.914_923del (NM_000287.3); short protein forms D217fs, D305fs.
Identifiers: ClinVar variation 1447140 (VCV001447140.8), dbSNP rs1364614470, ClinGen allele CA824877864.
Genomic context (GRCh38, chr6:42,974,997, plus strand): 5'-AGAAGACACAATTTCGATGTGTAACTCTCTGGCAAATGGAGGCCCAGGCAGCAATGAGCA[GCTTCCTTTGT>G]CTTCAGGGGCGATGGAGCCTTCCAAGTACCTCTATTAGAGAAATAACCACCACGTTATAA-3'

ClinVar aggregate classification (germline): Pathogenic/Likely pathogenic. Review status: criteria provided, multiple submitters, no conflicts (2 of 4 stars). 3 submissions from 3 submitters: Pathogenic (1); Likely pathogenic (2). Last evaluated 2025-08-04.

Conditions:
Peroxisome biogenesis disorder 4A (Zellweger) (PBD4A). Also called: Zellweger syndrome spectrum (PEX6-related). Identifiers: Orphanet 912, MedGen C3553936, MONDO:0013930, OMIM 614862. Disease mechanism: loss of function.
Peroxisome biogenesis disorder 4B (PBD4B). Also called: SPINOCEREBELLAR ATAXIA WITH BLINDNESS AND DEAFNESS 1. Identifiers: Orphanet 44, Orphanet 95433, MedGen C3553937, MONDO:0013931, OMIM 614863.
Heimler syndrome 2 (HMLR2). Also called: PEROXISOME BIOGENESIS DISORDER 4C. Identifiers: Orphanet 3220, MedGen C4225267, OMIM 616617, MONDO:0014709.
Peroxisome biogenesis disorder. Identifiers: Orphanet 79189, MedGen C1832200, MONDO:0019234. Disease mechanism: loss of function.
Zellweger spectrum disorders (ZS). Also called: Zellweger Spectrum Disorder (ZSD); Zellweger Spectrum Disorder; Zellweger Spectrum; Zellweger syndrome. Identifiers: Orphanet 912, MedGen C0043459, MONDO:0019609.

Submissions (3):

Labcorp Genetics (formerly Invitae), Labcorp
Classification: Pathogenic for Peroxisome biogenesis disorder. Last evaluated: 2025-08-04. Review status: criteria provided, single submitter. Criteria: Invitae Variant Classification Sherloc (09022015). Collection method: clinical testing. Allele origin: germline.
Comment: This sequence change creates a premature translational stop signal (p.Asp305Alafs*43) in the PEX6 gene. It is expected to result in an absent or disrupted protein product. Loss-of-function variants in PEX6 are known to be pathogenic (PMID: 10408779, 21031596, 31831025). This variant is not present in population databases (gnomAD no frequency). This variant has not been reported in the literature in individuals affected with PEX6-related conditions. ClinVar contains an entry for this variant (Variation ID: 1447140). Algorithms developed to predict the effect of sequence changes on RNA splicing suggest that this variant may disrupt the consensus splice site. For these reasons, this variant has been classified as Pathogenic.

Natera, Inc.
Classification: Likely pathogenic for Zellweger syndrome. Last evaluated: 2024-12-30. Review status: criteria provided, single submitter. Criteria: Natera Variant Classification Schema (03/2026). Collection method: clinical testing. Allele origin: germline.
Comment: The c.914_923del variant in PEX6 is a frameshift variant predicted to shift the reading frame beginning at codon 305 and leads to a stop codon 43 codons downstream. This variant is expected to result in nonsense mediated decay, truncation, or a dysfunctional protein product. This variant is rare in the general population with a frequency below the threshold expected for the associated phenotype(s). Given the available evidence, this variant is classified as Likely Pathogenic.

Fulgent Genetics
Classification: Likely pathogenic for Peroxisome biogenesis disorder 4A (Zellweger); Peroxisome biogenesis disorder 4B; Heimler syndrome 2. Last evaluated: 2024-06-21. Review status: criteria provided, single submitter. Criteria: ACMG Guidelines, 2015. Collection method: clinical testing. Allele origin: germline.

Literature cited by the submitters: PubMed 10408779 (cited by Labcorp Genetics (formerly Invitae), Labcorp); PubMed 21031596 (cited by Labcorp Genetics (formerly Invitae), Labcorp); PubMed 31831025 (cited by Labcorp Genetics (formerly Invitae), Labcorp).